The following is an entry in ClinVar:

NM_001287.6(CLCN7):c.*241G>A

Gene: CLCN7 (Cl-/H+ antiporter 7; minus strand). Cytogenetic location: 16p13.3.
Variant type: single nucleotide variant.
Coding change: c.*241G>A on transcript NM_001287.6 (MANE Select); 241 bases downstream of the stop codon, G replaced by A.
Molecular consequence: 3 prime UTR variant.
Genome position (GRCh38, 1-based): chr16:1,446,390, C>T on the plus strand (G>A on the coding strand, the complement: CLCN7 is on the minus strand). VCF-style: chr16-1446390-C-T. GRCh37 (hg19) VCF-style: chr16-1496391-C-T.
Other names: c.*241G>A (NM_001114331.3).
Identifiers: ClinVar variation 317938 (VCV000317938.11), dbSNP rs559965660, ClinGen allele CA7809787.
Genomic context (GRCh38, chr16:1,446,390, plus strand): 5'-GATAGCCCGGTAGGGAGGTCACACACACACAGCTGATCCCTGGAGGTAAAGAAACCTAGA[C>T]GAGGAGAGTGGAGGCTGGGCCTGCGCAAGGAGGCGCCAAGGGGGGAGACCACTGCCCACA-3'

ClinVar aggregate classification (germline): Conflicting classifications of pathogenicity. Review status: criteria provided, conflicting classifications (1 of 4 stars). 3 submissions from 3 submitters: Uncertain significance (1); Benign (1); Likely benign (1). Last evaluated 2026-07-01.

Conditions:
Osteopetrosis. Identifiers: Orphanet 2781, MedGen C0029454, MONDO:0017198, HP:0011002.

Allele frequency attached by ClinVar (database versions not stated): 1000 Genomes Project 0.00060; 1000 Genomes Project 30x 0.00078; gnomAD 0.00198; TOPMed 0.00214.
gnomAD v4.1: 1,514 of 702,364 alleles (0.22%); highest among the groups gnomAD compares: Non-Finnish European, 0.32%; 4 homozygotes.

Submissions (3):

CeGaT Center for Human Genetics Tuebingen
Classification: Likely benign. Last evaluated: 2026-07-01. Review status: criteria provided, single submitter. Criteria: CeGaT Center For Human Genetics Tuebingen Variant Classification Criteria Version 2. Collection method: clinical testing. Allele origin: germline. Affected: yes. Observed: 3 variant alleles.
Comment: CLCN7: PP3, BS2

Women's Health and Genetics/Laboratory Corporation of America, LabCorp
Classification: Benign. Last evaluated: 2026-06-02. Review status: criteria provided, single submitter. Criteria: LabCorp Variant Classification Summary - May 2015. Collection method: clinical testing. Allele origin: germline.

Illumina Laboratory Services, Illumina
Classification: Uncertain significance for Osteopetrosis. Last evaluated: 2018-01-12. Review status: criteria provided, single submitter. Criteria: ICSL Variant Classification Criteria 13 December 2019. Collection method: clinical testing. Allele origin: germline.